The following is an entry in ClinVar:

ClinVar aggregate classification (germline): Likely pathogenic. Review status: criteria provided, single submitter (1 of 4 stars). 2 submissions from 2 submitters: Likely pathogenic (1). 1 of the submissions does not count toward it. Last evaluated 2026-03-02.

Conditions:
VARS2-related disorder. Also called: VARS2-related disorders; VARS2-related condition.

Submissions (2):

GeneDx
Classification: Likely pathogenic. Last evaluated: 2026-03-02. Review status: criteria provided, single submitter. Criteria: GeneDx Variant Classification Process June 2021. Collection method: clinical testing. Allele origin: germline.
Comment: Frameshift variant predicted to result in protein truncation or nonsense mediated decay in a gene for which loss of function is a known mechanism of disease; Not observed at significant frequency in large population cohorts (gnomAD); Has not been previously published as pathogenic or benign to our knowledge

PreventionGenetics, part of Exact Sciences
Classification: Likely pathogenic for VARS2-related condition. Last evaluated: 2024-07-17. Review status: no assertion criteria provided. Collection method: clinical testing. Allele origin: germline. Not counted in ClinVar's aggregate classification.
Comment: The VARS2 c.1714delC variant is predicted to result in a frameshift and premature protein termination (p.His572Metfs*21). To our knowledge, this variant has not been reported in the literature or in a large population database, indicating this variant is rare. Frameshift variants in VARS2 are expected to be pathogenic. This variant is interpreted as likely pathogenic.

NM_020442.6(VARS2):c.1624del (p.His542fs)

Gene: VARS2 (valyl-tRNA synthetase 2, mitochondrial; plus strand). Cytogenetic location: 6p21.33.
Variant type: Deletion.
Coding change: c.1624del on transcript NM_020442.6 (MANE Select); coding-DNA position 1624, one base deleted (C; older notation c.1624delC).
Protein change: p.His542fs; shifts the reading frame from histidine 542.
Molecular consequence: frameshift variant.
Genome position (GRCh38, 1-based): chr6:30,921,297, C deleted; the last of 2 consecutive C bases (chr6:30,921,296-30,921,297); deleting either gives the same sequence. VCF-style (leftmost placement, unchanged base first): chr6-30921295-AC-A. GRCh37 (hg19) VCF-style: chr6-30889072-AC-A.
Other names: c.1714del (NM_001167734.1); c.1204del, p.His402fs (NM_001167733.3); c.1714del, p.His572fs (NM_001167734.2); c.1714delC (NM_001167734.1); short protein forms H402fs, H542fs, H572fs.
Identifiers: ClinVar variation 3349642 (VCV003349642.3).